The following is an entry in ClinVar:

NC_000001.10:g.(?_218578491)_(218614704_?)del

Gene: TGFB2 (transforming growth factor beta 2; plus strand). Cytogenetic location: 1q41.
Variant type: Deletion.
Identifiers: ClinVar variation 3247812 (VCV003247812.1).

ClinVar aggregate classification (germline): Likely pathogenic (1 of 4 stars; one submission).

Conditions:
Loeys-Dietz syndrome 4 (LDS4). Also called: TGFB2-Related Loeys-Dietz Syndrome; ANEURYSM, AORTIC AND CEREBRAL, WITH ARTERIAL TORTUOSITY AND SKELETAL MANIFESTATIONS. Identifiers: MedGen C3553762, MONDO:0013897, OMIM 614816.

Submission:

Labcorp Genetics (formerly Invitae), Labcorp
Classification: Likely pathogenic for Loeys-Dietz syndrome 4. Last evaluated: 2022-06-12. Review status: criteria provided, single submitter. Criteria: Invitae Variant Classification Sherloc (09022015). Collection method: clinical testing. Allele origin: unknown.
Comment: In summary, the currently available evidence indicates that the variant is pathogenic, but additional data are needed to prove that conclusively. Therefore, this variant has been classified as Likely Pathogenic. This variant disrupts the p.Arg299 amino acid residue in TGFB2. Other variant(s) that disrupt this residue have been determined to be pathogenic (PMID: 22772368, 23102774, 26854089). This suggests that this residue is clinically significant, and that variants that disrupt this residue are likely to be disease-causing. A similar copy number variant has been observed in individual(s) with TGFB2-related conditions (Invitae). This variant is a gross deletion of the genomic region encompassing exon(s) 2-7 of the TGFB2 gene, which includes the termination codon. This deletion extends beyond the assayed region for this gene and therefore may encompass additional genes. While this deletion is not anticipated to lead to nonsense mediated decay, it is expected to alter mRNA translation or result in a truncated protein product.

Literature cited by the submitters: PubMed 22772368; PubMed 23102774; PubMed 26854089.